The following is an entry in ClinVar:

NM_002691.4(POLD1):c.1455G>T (p.Gln485His)

Gene: POLD1 (DNA polymerase delta 1, catalytic subunit; plus strand). Cytogenetic location: 19q13.33.
Variant type: single nucleotide variant.
Coding change: c.1455G>T on transcript NM_002691.4 (MANE Select); coding-DNA position 1455, G replaced by T.
Protein change: p.Gln485His; replaces glutamine 485 with histidine.
Molecular consequence: missense variant. On other transcripts: non-coding transcript variant (1).
Genome position (GRCh38, 1-based): chr19:50,406,478, G>T. VCF-style: chr19-50406478-G-T. GRCh37 (hg19) VCF-style: chr19-50909735-G-T.
Other names: c.1455G>T, p.Gln485His (NM_001256849.1, NM_001308632.1); short protein forms Q485H.
Identifiers: ClinVar variation 1415991 (VCV001415991.8), dbSNP rs2122327595, ClinGen allele CA406980239.

ClinVar aggregate classification (germline): Uncertain significance (1 of 4 stars; one submission).

Conditions:
POLD1-related polyposis and colorectal cancer syndrome (CRCS10). Also called: Colorectal cancer, susceptibility to, 10; Colorectal cancer 10; COLORECTAL CANCER, SUSCEPTIBILITY TO, ON CHROMOSOME 19q. Identifiers: Orphanet 220460, MedGen C2675481, MONDO:0012953, OMIM 612591.

Submission:

Labcorp Genetics (formerly Invitae), Labcorp
Classification: Uncertain significance for POLD1-related polyposis and colorectal cancer syndrome. Last evaluated: 2020-12-06. Review status: criteria provided, single submitter. Criteria: Invitae Variant Classification Sherloc (09022015). Collection method: clinical testing. Allele origin: germline.
Comment: In summary, the available evidence is currently insufficient to determine the role of this variant in disease. Therefore, it has been classified as a Variant of Uncertain Significance. Algorithms developed to predict the effect of missense changes on protein structure and function are either unavailable or do not agree on the potential impact of this missense change (SIFT: "Deleterious"; PolyPhen-2: "Probably Damaging"; Align-GVGD: "Class C0"). This variant has not been reported in the literature in individuals with POLD1-related conditions. This variant is not present in population databases (ExAC no frequency). This sequence change replaces glutamine with histidine at codon 485 of the POLD1 protein (p.Gln485His). The glutamine residue is highly conserved and there is a small physicochemical difference between glutamine and histidine.